The following is an entry in ClinVar:

NM_004168.4(SDHA):c.1428G>C (p.Arg476Ser)

Gene: SDHA (succinate dehydrogenase complex flavoprotein subunit A; plus strand). Cytogenetic location: 5p15.33.
Variant type: single nucleotide variant.
Coding change: c.1428G>C on transcript NM_004168.4 (MANE Select); coding-DNA position 1428, G replaced by C.
Protein change: p.Arg476Ser; replaces arginine 476 with serine.
Molecular consequence: missense variant.
Genome position (GRCh38, 1-based): chr5:236,595, G>C. VCF-style: chr5-236595-G-C. GRCh37 (hg19) VCF-style: chr5-236710-G-C.
Other names: c.1284G>C, p.Arg428Ser (NM_001294332.2); c.1428G>C, p.Arg476Ser (NM_001330758.2); short protein forms R428S, R476S.
Identifiers: ClinVar variation 863494 (VCV000863494.15), dbSNP rs377415114, ClinGen allele CA359014135.

ClinVar aggregate classification (germline): Uncertain significance. Review status: criteria provided, multiple submitters, no conflicts (2 of 4 stars). 4 submissions from 4 submitters: Uncertain significance (4). Last evaluated 2026-03-06.

Conditions:
SDHA-related disorder. Also called: SDHA-related condition; SDHA-related disorders.
Pheochromocytoma/paraganglioma syndrome 5. Also called: SDHA-Related Hereditary Paraganglioma-Pheochromocytoma Syndrome; Paragangliomas 5. Identifiers: Orphanet 29072, MedGen C3279992, MONDO:0013602, OMIM 614165.
Mitochondrial complex II deficiency, nuclear type 1. Also called: SUCCINATE CoQ REDUCTASE DEFICIENCY. Identifiers: Orphanet 3208, MedGen C5700310, MONDO:0100294, OMIM 252011.
Hereditary cancer-predisposing syndrome. Also called: Neoplastic Syndromes, Hereditary; Hereditary Cancer Syndrome; Tumor predisposition; Hereditary neoplastic syndrome. Identifiers: Orphanet 140162, MedGen C0027672, MeSH D009386, MONDO:0015356.

gnomAD v4.1: 15 of 1,613,908 alleles (0.00093%); highest among the groups gnomAD compares: South Asian, 0.0022%; no homozygotes.

Submissions (4):

Ambry Genetics
Classification: Uncertain significance for Hereditary cancer-predisposing syndrome. Last evaluated: 2026-03-06. Review status: criteria provided, single submitter. Criteria: Ambry Variant Classification Scheme 2023. Collection method: clinical testing. Allele origin: germline.
Comment: The p.R476S variant (also known as c.1428G>C), located in coding exon 10 of the SDHA gene, results from a G to C substitution at nucleotide position 1428. The arginine at codon 476 is replaced by serine, an amino acid with dissimilar properties. This amino acid position is poorly conserved in available vertebrate species. In addition, this alteration is predicted to be tolerated by in silico analysis. Based on the available evidence, the clinical significance of this variant remains unclear.

PreventionGenetics, part of Exact Sciences
Classification: Uncertain significance for SDHA-related condition. Last evaluated: 2025-09-24. Review status: criteria provided, single submitter. Criteria: ACMG Guidelines, 2015. Collection method: clinical testing. Allele origin: germline.
Comment: The SDHA c.1428G>C variant is predicted to result in the amino acid substitution p.Arg476Ser. To our knowledge, this variant has not been reported in the literature. This variant is reported in 0.0033% of alleles in individuals of South Asian descent in gnomAD. At this time, the clinical significance of this variant is uncertain due to the absence of conclusive functional and genetic evidence.

Labcorp Genetics (formerly Invitae), Labcorp
Classification: Uncertain significance for Pheochromocytoma/paraganglioma syndrome 5; Mitochondrial complex II deficiency, nuclear type 1. Last evaluated: 2025-07-17. Review status: criteria provided, single submitter. Criteria: Invitae Variant Classification Sherloc (09022015). Collection method: clinical testing. Allele origin: germline.
Comment: This sequence change replaces arginine, which is basic and polar, with serine, which is neutral and polar, at codon 476 of the SDHA protein (p.Arg476Ser). This variant is present in population databases (no rsID available, gnomAD 0.003%). This variant has not been reported in the literature in individuals affected with SDHA-related conditions. ClinVar contains an entry for this variant (Variation ID: 863494). Invitae Evidence Modeling of protein sequence and biophysical properties (such as structural, functional, and spatial information, amino acid conservation, physicochemical variation, residue mobility, and thermodynamic stability) indicates that this missense variant is not expected to disrupt SDHA protein function with a negative predictive value of 95%. In summary, the available evidence is currently insufficient to determine the role of this variant in disease. Therefore, it has been classified as a Variant of Uncertain Significance.

Quest Diagnostics Nichols Institute San Juan Capistrano
Classification: Uncertain significance. Last evaluated: 2024-11-13. Review status: criteria provided, single submitter. Criteria: Quest Diagnostics criteria. Collection method: clinical testing. Allele origin: unknown.
Comment: The SDHA c.1428G>C (p.Arg476Ser) variant has not been reported in individuals with SDHA-related conditions in the published literature. The frequency of this variant in the general population, 0.000008 (2/251168 chromosomes (Genome Aggregation Database)), is uninformative in the assessment of its pathogenicity. Analysis of this variant using bioinformatics tools for the prediction of the effect of amino acid changes on protein structure and function yielded predictions that this variant is benign. Based on the available information, we are unable to determine the clinical significance of this variant.